The following is an entry in ClinVar:

ClinVar aggregate classification (germline): Uncertain significance. Review status: criteria provided, multiple submitters, no conflicts (2 of 4 stars). 2 submissions from 2 submitters: Uncertain significance (2). Last evaluated 2024-04-01.

Conditions:
CHARGE syndrome (CHARGE). Also called: Coloboma, heart anomaly, choanal atresia, retardation, genital and ear anomalies; CHARGE association; Hall-Hittner syndrome; Hittner Hirsch Kreh syndrome; CHARGE ASSOCIATION--COLOBOMA, HEART ANOMALY, CHOANAL ATRESIA, RETARDATION, GENITAL AND EAR ANOMALIES. Identifiers: Orphanet 138, MedGen C0265354, MONDO:0008965.

Allele frequency attached by ClinVar (database versions not stated): TOPMed 0.00001.
gnomAD v4.1: 29 of 1,610,076 alleles (0.0018%); highest among the groups gnomAD compares: Non-Finnish European, 0.0025%; no homozygotes.

Submissions (2):

Daryl Scott Lab, Baylor College of Medicine
Classification: Uncertain significance for CHD7-related CHARGE syndrome. Last evaluated: 2024-04-01. Review status: criteria provided, single submitter. Criteria: ACMG Guidelines, 2015. Collection method: clinical testing. Allele origin: maternal. Observed: 1 heterozygote.
Comment: PM2

Labcorp Genetics (formerly Invitae), Labcorp
Classification: Uncertain significance for CHARGE syndrome. Last evaluated: 2023-12-12. Review status: criteria provided, single submitter. Criteria: Invitae Variant Classification Sherloc (09022015). Collection method: clinical testing. Allele origin: germline.
Comment: This sequence change replaces valine, which is neutral and non-polar, with alanine, which is neutral and non-polar, at codon 2615 of the CHD7 protein (p.Val2615Ala). This variant is not present in population databases (gnomAD no frequency). This variant has not been reported in the literature in individuals affected with CHD7-related conditions. ClinVar contains an entry for this variant (Variation ID: 652934). Advanced modeling of protein sequence and biophysical properties (such as structural, functional, and spatial information, amino acid conservation, physicochemical variation, residue mobility, and thermodynamic stability) performed at Invitae indicates that this missense variant is not expected to disrupt CHD7 protein function with a negative predictive value of 95%. In summary, the available evidence is currently insufficient to determine the role of this variant in disease. Therefore, it has been classified as a Variant of Uncertain Significance.

NM_017780.4(CHD7):c.7844T>C (p.Val2615Ala)

Gene: CHD7 (chromodomain helicase DNA binding protein 7; plus strand). Cytogenetic location: 8q12.2.
Variant type: single nucleotide variant.
Coding change: c.7844T>C on transcript NM_017780.4 (MANE Select); coding-DNA position 7844, T replaced by C.
Protein change: p.Val2615Ala; replaces valine 2615 with alanine.
Molecular consequence: missense variant. On other transcripts: intron variant (1).
Genome position (GRCh38, 1-based): chr8:60,862,209, T>C. VCF-style: chr8-60862209-T-C. GRCh37 (hg19) VCF-style: chr8-61774768-T-C.
Other names: c.1717-20T>C (NM_001316690.1); short protein forms V2615A.
Identifiers: ClinVar variation 652934 (VCV000652934.9), dbSNP rs1586462216, ClinGen allele CA371305135.
Genomic context (GRCh38, chr8:60,862,209, plus strand): 5'-ATAAGTACTAAATACCAATTTTACTAAATATGTTTTTTCTTTTGCAGAAGAATGCAGATG[T>C]GCTGTTTTCCTCATTTCAGAAACCGAAACAGAAACGACATAGATGTCGAAACCCTAATAA-3'
Protein context (NP_060250.2, residues 2605-2625): MPSYVPKNAD[Val2615Ala]LFSSFQKPKQ